The following is an entry in ClinVar:

ClinVar aggregate classification (germline): Uncertain significance. Review status: criteria provided, single submitter (1 of 4 stars). 2 submissions from 2 submitters: Uncertain significance (1). 1 of the submissions does not count toward it. Last evaluated 2025-05-06.

Conditions:
CSMD1-related disorder. Also called: CSMD1-related condition.

Allele frequency attached by ClinVar (database versions not stated): gnomAD exomes 0.00001; ExAC 0.00005; ESP Exome Variant Server 0.00008; TOPMed 0.00011; gnomAD 0.00017.
gnomAD v4.1: 39 of 1,613,920 alleles (0.0024%); highest among the groups gnomAD compares: African/African-American, 0.049%; no homozygotes.

Submissions (2):

Ambry Genetics
Classification: Uncertain significance. Last evaluated: 2025-05-06. Review status: criteria provided, single submitter. Criteria: Ambry Variant Classification Scheme 2023. Collection method: clinical testing. Allele origin: germline.

PreventionGenetics, part of Exact Sciences
Classification: Uncertain significance for CSMD1-related condition. Last evaluated: 2024-09-26. Review status: no assertion criteria provided. Collection method: clinical testing. Allele origin: germline. Not counted in ClinVar's aggregate classification.
Comment: The CSMD1 c.9592G>C variant is predicted to result in the amino acid substitution p.Asp3198His. To our knowledge, this variant has not been reported in the literature. This variant is reported in 0.062% of alleles in individuals of African descent in gnomAD. Although we suspect that this variant may be benign, at this time, the clinical significance of this variant is uncertain due to the absence of conclusive functional and genetic evidence.

NM_033225.6(CSMD1):c.9592G>C (p.Asp3198His)

Genes: CSMD1 (CUB and Sushi multiple domains 1; minus strand), LOC105377785 (uncharacterized LOC105377785; plus strand). Cytogenetic location: 8p23.2.
Variant type: single nucleotide variant.
Coding change: c.9592G>C on transcript NM_033225.6 (MANE Select); coding-DNA position 9592, G replaced by C.
Protein change: p.Asp3198His; replaces aspartic acid 3198 with histidine.
Molecular consequence: missense variant.
Genome position (GRCh38, 1-based): chr8:2,962,502, C>G on the plus strand (G>C on the coding strand, the complement: CSMD1 is on the minus strand). VCF-style: chr8-2962502-C-G. GRCh37 (hg19) VCF-style: chr8-2820024-C-G.
Other names: short protein forms D3198H.
Identifiers: ClinVar variation 2515578 (VCV002515578.4), dbSNP rs373844144, ClinGen allele CA4605088.